The following is an entry in ClinVar:

NM_001876.4(CPT1A):c.2226C>A (p.Cys742Ter)

Gene: CPT1A (carnitine palmitoyltransferase 1A; minus strand). Cytogenetic location: 11q13.3.
Variant type: single nucleotide variant.
Coding change: c.2226C>A on transcript NM_001876.4 (MANE Select); coding-DNA position 2226, C replaced by A.
Protein change: p.Cys742Ter; replaces cysteine 742 with a stop codon.
Molecular consequence: nonsense.
Genome position (GRCh38, 1-based): chr11:68,759,578, G>T on the plus strand (C>A on the coding strand, the complement: CPT1A is on the minus strand). VCF-style: chr11-68759578-G-T. GRCh37 (hg19) VCF-style: chr11-68527046-G-T.
Other names: c.2226C>A, p.Cys742Ter (NM_001031847.3); short protein forms C742*.
Identifiers: ClinVar variation 3901922 (VCV003901922.3), dbSNP rs891484688.

ClinVar aggregate classification (germline): Uncertain significance. Review status: criteria provided, multiple submitters, no conflicts (2 of 4 stars). 2 submissions from 2 submitters: Uncertain significance (2). Last evaluated 2025-02-11.

Conditions:
Carnitine palmitoyl transferase 1A deficiency. Also called: CPT I DEFICIENCY; CPT DEFICIENCY, HEPATIC, TYPE I; Carnitine palmitoyltransferase 1A deficiency; Carnitine palmitoyltransferase type I deficiency; CPT deficiency, hepatic, type IA. Identifiers: Orphanet 156, MedGen C1829703, MONDO:0009705, OMIM 255120.

gnomAD v4.1: 6 of 1,608,596 alleles (0.00037%); highest among the groups gnomAD compares: Non-Finnish European, 0.00051%; no homozygotes.

Submissions (2):

Dasa
Classification: Uncertain significance. Last evaluated: 2025-02-11. Review status: criteria provided, single submitter. Criteria: DASA Assertion Criteria. Collection method: clinical testing. Allele origin: germline.
Comment: NM_001876.4(CPT1A):c.2226C>A (p.Cys742*) is a nonsense variant in CPT1A predicted to introduce a premature termination codon and is predicted to result in an absent or altered protein product. This variant is rare in population databases. The currently available literature and clinical evidence are not sufficient to establish a definitive association between this variant and the reported condition. Therefore, this variant is classified as a variant of uncertain significance.

Laboratorio de Genetica e Diagnostico Molecular, Hospital Israelita Albert Einstein
Classification: Uncertain significance for Carnitine palmitoyl transferase 1A deficiency. Last evaluated: 2024-01-30. Review status: criteria provided, single submitter. Criteria: ACMG Guidelines, 2015. Collection method: clinical testing. Allele origin: germline. Affected: yes.
Comment: ACMG classification criteria: PVS1 moderate, PM2 moderate